The following is an entry in ClinVar:

ClinVar aggregate classification (germline): Uncertain significance (1 of 4 stars; one submission).

Conditions:
Brugada syndrome 8 (BRGDA8). Identifiers: Orphanet 130, MedGen C2751083, MONDO:0013148, OMIM 613123.

gnomAD v4.1: 10 of 1,594,244 alleles (0.00063%); highest among the groups gnomAD compares: East Asian, 0.022%; no homozygotes.

Submission:

Labcorp Genetics (formerly Invitae), Labcorp
Classification: Uncertain significance for Brugada syndrome 8. Last evaluated: 2023-09-28. Review status: criteria provided, single submitter. Criteria: Invitae Variant Classification Sherloc (09022015). Collection method: clinical testing. Allele origin: germline.
Comment: In summary, the available evidence is currently insufficient to determine the role of this variant in disease. Therefore, it has been classified as a Variant of Uncertain Significance. Experimental studies have shown that this missense change affects HCN4 function (PMID: 29349559). Advanced modeling of protein sequence and biophysical properties (such as structural, functional, and spatial information, amino acid conservation, physicochemical variation, residue mobility, and thermodynamic stability) performed at Invitae indicates that this missense variant is not expected to disrupt HCN4 protein function. This missense change has been observed in individual(s) with clinical features of HCN4-related conditions (PMID: 29349559). This variant is present in population databases (rs776656247, gnomAD 0.03%). This sequence change replaces glycine, which is neutral and non-polar, with glutamic acid, which is acidic and polar, at codon 811 of the HCN4 protein (p.Gly811Glu).

Literature cited by the submitters: PubMed 29349559.

NM_005477.3(HCN4):c.2432G>A (p.Gly811Glu)

Gene: HCN4 (hyperpolarization activated cyclic nucleotide gated potassium channel 4; minus strand). Cytogenetic location: 15q24.1.
Variant type: single nucleotide variant.
Coding change: c.2432G>A on transcript NM_005477.3 (MANE Select); coding-DNA position 2432, G replaced by A.
Protein change: p.Gly811Glu; replaces glycine 811 with glutamic acid.
Molecular consequence: missense variant.
Genome position (GRCh38, 1-based): chr15:73,323,661, C>T on the plus strand (G>A on the coding strand, the complement: HCN4 is on the minus strand). VCF-style: chr15-73323661-C-T. GRCh37 (hg19) VCF-style: chr15-73616002-C-T.
Other names: short protein forms G811E.
Identifiers: ClinVar variation 2882451 (VCV002882451.2), dbSNP rs776656247, ClinGen allele CA7649030.